The following is an entry in ClinVar:

NM_032043.3(BRIP1):c.982T>C (p.Phe328Leu)

Gene: BRIP1 (BRCA1 interacting DNA helicase 1; minus strand). Cytogenetic location: 17q23.2.
Variant type: single nucleotide variant.
Coding change: c.982T>C on transcript NM_032043.3 (MANE Select); coding-DNA position 982, T replaced by C.
Protein change: p.Phe328Leu; replaces phenylalanine 328 with leucine.
Molecular consequence: missense variant.
Genome position (GRCh38, 1-based): chr17:61,801,411, A>G on the plus strand (T>C on the coding strand, the complement: BRIP1 is on the minus strand). VCF-style: chr17-61801411-A-G. GRCh37 (hg19) VCF-style: chr17-59878772-A-G.
Other names: short protein forms F328L.
Identifiers: ClinVar variation 479447 (VCV000479447.7), dbSNP rs1555607763, ClinGen allele CA400484184.

ClinVar aggregate classification (germline): Conflicting classifications of pathogenicity. Review status: criteria provided, conflicting classifications (1 of 4 stars). 2 submissions from 2 submitters: Uncertain significance (1); Likely benign (1). Last evaluated 2024-10-12.

Conditions:
Hereditary cancer-predisposing syndrome. Also called: Tumor predisposition; Neoplastic Syndromes, Hereditary; Hereditary Cancer Syndrome; Hereditary neoplastic syndrome. Identifiers: Orphanet 140162, MedGen C0027672, MeSH D009386, MONDO:0015356.
Fanconi anemia complementation group J. Also called: BRIP1-Related Fanconi Anemia. Identifiers: Orphanet 84, MedGen C1836860, MONDO:0012187, OMIM 609054.
Familial cancer of breast. Also called: BREAST CANCER, FAMILIAL; Hereditary breast cancer; hereditary breast carcinoma. Identifiers: Orphanet 227535, MedGen C0346153, MONDO:0016419, OMIM 114480. Disease mechanism: loss of function.

Submissions (2):

Labcorp Genetics (formerly Invitae), Labcorp
Classification: Uncertain significance for Familial cancer of breast; Fanconi anemia complementation group J. Last evaluated: 2024-10-12. Review status: criteria provided, single submitter. Criteria: Invitae Variant Classification Sherloc (09022015). Collection method: clinical testing. Allele origin: germline.
Comment: This sequence change replaces phenylalanine, which is neutral and non-polar, with leucine, which is neutral and non-polar, at codon 328 of the BRIP1 protein (p.Phe328Leu). This variant is not present in population databases (gnomAD no frequency). This variant has not been reported in the literature in individuals affected with BRIP1-related conditions. ClinVar contains an entry for this variant (Variation ID: 479447). Invitae Evidence Modeling of protein sequence and biophysical properties (such as structural, functional, and spatial information, amino acid conservation, physicochemical variation, residue mobility, and thermodynamic stability) indicates that this missense variant is not expected to disrupt BRIP1 protein function with a negative predictive value of 95%. In summary, the available evidence is currently insufficient to determine the role of this variant in disease. Therefore, it has been classified as a Variant of Uncertain Significance.

Ambry Genetics
Classification: Likely benign for Hereditary cancer-predisposing syndrome. Last evaluated: 2016-09-29. Review status: criteria provided, single submitter. Criteria: Ambry Variant Classification Scheme 2023. Collection method: clinical testing. Allele origin: germline.